The following is an entry in ClinVar:

NM_001276270.2(MBD4):c.124G>T (p.Glu42Ter)

Gene: MBD4 (methyl-CpG binding domain 4, DNA glycosylase; minus strand). Cytogenetic location: 3q21.3.
Variant type: single nucleotide variant.
Coding change: c.124G>T on transcript NM_001276270.2 (MANE Select); coding-DNA position 124, G replaced by T.
Protein change: p.Glu42Ter; replaces glutamic acid 42 with a stop codon.
Molecular consequence: nonsense.
Genome position (GRCh38, 1-based): chr3:129,437,931, C>A on the plus strand (G>T on the coding strand, the complement: MBD4 is on the minus strand). VCF-style: chr3-129437931-C-A. GRCh37 (hg19) VCF-style: chr3-129156774-C-A.
Other names: c.124G>T, p.Glu42Ter (NM_001276271.2, NM_001276272.2, NM_001276273.2 and 1 more transcripts); short protein forms E42*.
Identifiers: ClinVar variation 3722236 (VCV003722236.2).

ClinVar aggregate classification (germline): Pathogenic (1 of 4 stars; one submission).

Submission:

Labcorp Genetics (formerly Invitae), Labcorp
Classification: Pathogenic. Last evaluated: 2024-10-05. Review status: criteria provided, single submitter. Criteria: Invitae Variant Classification Sherloc (09022015). Collection method: clinical testing. Allele origin: germline.
Comment: This sequence change creates a premature translational stop signal (p.Glu42*) in the MBD4 gene. It is expected to result in an absent or disrupted protein product. Loss-of-function variants in MBD4 are known to be pathogenic (PMID: 30049810, 35460607). This variant is not present in population databases (gnomAD no frequency). This variant has not been reported in the literature in individuals affected with MBD4-related conditions. For these reasons, this variant has been classified as Pathogenic.

Literature cited by the submitters: PubMed 30049810; PubMed 35460607.